The following is an entry in ClinVar:

ClinVar aggregate classification (germline): Uncertain significance (1 of 4 stars; one submission).

Conditions:
Long QT syndrome (LQTS). Identifiers: MedGen C0023976, MeSH D008133, MONDO:0002442. Disease mechanism: loss of function. Inheritance: Various modes of inheritance.

Allele frequency attached by ClinVar (database versions not stated): gnomAD exomes 0.00001.
gnomAD v4.1: 9 of 1,613,764 alleles (0.00056%); highest among the groups gnomAD compares: Non-Finnish European, 0.00076%; no homozygotes.

Submission:

Labcorp Genetics (formerly Invitae), Labcorp
Classification: Uncertain significance for Long QT syndrome. Last evaluated: 2023-05-01. Review status: criteria provided, single submitter. Criteria: Invitae Variant Classification Sherloc (09022015). Collection method: clinical testing. Allele origin: germline.
Comment: This sequence change replaces isoleucine, which is neutral and non-polar, with methionine, which is neutral and non-polar, at codon 2294 of the AKAP9 protein (p.Ile2294Met). This variant is not present in population databases (gnomAD no frequency). This variant has not been reported in the literature in individuals affected with AKAP9-related conditions. ClinVar contains an entry for this variant (Variation ID: 1442124). An algorithm developed to predict the effect of missense changes on protein structure and function (PolyPhen-2) suggests that this variant is likely to be disruptive. In summary, the available evidence is currently insufficient to determine the role of this variant in disease. Therefore, it has been classified as a Variant of Uncertain Significance.

NM_005751.5(AKAP9):c.6882T>G (p.Ile2294Met)

Gene: AKAP9 (A-kinase anchoring protein 9; plus strand). Cytogenetic location: 7q21.2.
Variant type: single nucleotide variant.
Coding change: c.6882T>G on transcript NM_005751.5 (MANE Select); coding-DNA position 6882, T replaced by G.
Protein change: p.Ile2294Met; replaces isoleucine 2294 with methionine.
Molecular consequence: missense variant.
Genome position (GRCh38, 1-based): chr7:92,077,812, T>G. VCF-style: chr7-92077812-T-G. GRCh37 (hg19) VCF-style: chr7-91707126-T-G.
Other names: c.1527T>G, p.Ile509Met (NM_001379277.1); c.6858T>G, p.Ile2286Met (NM_147185.3); short protein forms I2286M, I509M, I2294M.
Identifiers: ClinVar variation 1442124 (VCV001442124.8), dbSNP rs2130858119, ClinGen allele CA368133800.